The following is an entry in ClinVar:

ClinVar aggregate classification (germline): Uncertain significance. Review status: criteria provided, multiple submitters, no conflicts (2 of 4 stars). 2 submissions from 2 submitters: Uncertain significance (2). Last evaluated 2025-08-26.

Allele frequency attached by ClinVar (database versions not stated): gnomAD exomes below 0.00001 and 0.00002; ExAC 0.00002; gnomAD 0.00004 and 0.00006; TOPMed 0.00005.
gnomAD v4.1: 10 of 1,613,312 alleles (0.00062%); highest among the groups gnomAD compares: African/African-American, 0.013%; no homozygotes.

Submissions (2):

Labcorp Genetics (formerly Invitae), Labcorp
Classification: Uncertain significance. Last evaluated: 2025-08-26. Review status: criteria provided, single submitter. Criteria: Invitae Variant Classification Sherloc (09022015). Collection method: clinical testing. Allele origin: germline.
Comment: This sequence change replaces tyrosine, which is neutral and polar, with histidine, which is basic and polar, at codon 169 of the PLEKHM2 protein (p.Tyr169His). This variant is present in population databases (rs752340656, gnomAD 0.03%). This variant has not been reported in the literature in individuals affected with PLEKHM2-related conditions. ClinVar contains an entry for this variant (Variation ID: 1518347). An algorithm developed to predict the effect of missense changes on protein structure and function (PolyPhen-2) suggests that this variant is likely to be disruptive. In summary, the available evidence is currently insufficient to determine the role of this variant in disease. Therefore, it has been classified as a Variant of Uncertain Significance.

Ambry Genetics
Classification: Uncertain significance. Last evaluated: 2022-07-14. Review status: criteria provided, single submitter. Criteria: Ambry Variant Classification Scheme 2023. Collection method: clinical testing. Allele origin: germline.

NM_015164.4(PLEKHM2):c.505T>C (p.Tyr169His)

Gene: PLEKHM2 (pleckstrin homology and RUN domain containing M2; plus strand). Cytogenetic location: 1p36.21.
Variant type: single nucleotide variant.
Coding change: c.505T>C on transcript NM_015164.4 (MANE Select); coding-DNA position 505, T replaced by C.
Protein change: p.Tyr169His; replaces tyrosine 169 with histidine.
Molecular consequence: missense variant.
Genome position (GRCh38, 1-based): chr1:15,719,773, T>C. VCF-style: chr1-15719773-T-C. GRCh37 (hg19) VCF-style: chr1-16046268-T-C.
Other names: c.505T>C (NM_015164.2); short protein forms Y169H.
Identifiers: ClinVar variation 1518347 (VCV001518347.7), dbSNP rs752340656, ClinGen allele CA616709.
Genomic context (GRCh38, chr1:15,719,773, plus strand): 5'-CCTCCTCTACTCTCTCCTCAGGATGCCCCTTACCTAGACCTGGCCCCCTACATGCCCGAC[T>C]ACTACAAACCTCAGTACCTGCTGGACTTTGAAGACCGCCTTCCCAGCTCGGTCCACGGCT-3'
Protein context (NP_055979.2, residues 159-179): YLDLAPYMPD[Tyr169His]YKPQYLLDFE